The following is an entry in ClinVar:

ClinVar aggregate classification (germline): Uncertain significance (1 of 4 stars; one submission).

Allele frequency attached by ClinVar (database versions not stated): gnomAD exomes below 0.00001 and 0.00001.
gnomAD v4.1: 3 of 1,210,195 alleles (0.00025%); highest among the groups gnomAD compares: Non-Finnish European, 0.00022%; no homozygotes.

Submission:

GeneDx
Classification: Uncertain significance. Last evaluated: 2022-08-17. Review status: criteria provided, single submitter. Criteria: GeneDx Variant Classification Process June 2021. Collection method: clinical testing. Allele origin: germline. Affected: yes.
Comment: In silico analysis supports that this missense variant has a deleterious effect on protein structure/function; Has not been previously published as pathogenic or benign to our knowledge

NM_005334.3(HCFC1):c.1120C>T (p.Arg374Cys)

Gene: HCFC1 (host cell factor C1; minus strand). Cytogenetic location: Xq28.
Variant type: single nucleotide variant.
Coding change: c.1120C>T on transcript NM_005334.3 (MANE Select); coding-DNA position 1120, C replaced by T.
Protein change: p.Arg374Cys; replaces arginine 374 with cysteine.
Molecular consequence: missense variant.
Genome position (GRCh38, 1-based): chrX:153,960,126, G>A on the plus strand (C>T on the coding strand, the complement: HCFC1 is on the minus strand). VCF-style: chrX-153960126-G-A. GRCh37 (hg19) VCF-style: chrX-153225577-G-A.
Other names: short protein forms R374C.
Identifiers: ClinVar variation 1695779 (VCV001695779.3), dbSNP rs1557116360, ClinGen allele CA415143701.